The following is an entry in ClinVar:

NM_012428.4(NPTN):c.218_219del (p.Glu73fs)

Gene: NPTN (neuroplastin; minus strand). Cytogenetic location: 15q24.1.
Variant type: Microsatellite.
Coding change: c.218_219del on transcript NM_012428.4 (MANE Select); coding-DNA positions 218 to 219, 2 bases deleted (AG; older notation c.218_219delAG).
Protein change: p.Glu73fs; shifts the reading frame from glutamic acid 73.
Molecular consequence: frameshift variant. On other transcripts: intron variant (2).
Genome position (GRCh38, 1-based): chr15:73,597,242-73,597,243, CT deleted on the plus strand (AG on the coding strand, the reverse complement: NPTN is on the minus strand); deleting any 2 consecutive bases within chr15:73,597,242-73,597,245 gives the same sequence; the c. name uses the placement nearest the transcript's 3' end. VCF-style (leftmost placement, unchanged base first): chr15-73597241-ACT-A. GRCh37 (hg19) VCF-style: chr15-73889582-ACT-A.
Other names: c.218_219del (NM_012428.3); c.218_219del, p.Glu73fs (NM_001161363.2); c.92-5106_92-5105del (NM_001161364.2, NM_017455.4); short protein forms E73fs.
Identifiers: ClinVar variation 3778807 (VCV003778807.3).

ClinVar aggregate classification (germline): Pathogenic/Likely pathogenic. Review status: criteria provided, multiple submitters, no conflicts (2 of 4 stars). 2 submissions from 2 submitters: Pathogenic (1); Likely pathogenic (1). Last evaluated 2026-10-22.

Conditions:
NPTN-related neurodevelopmental disorder.

Submissions (2):

GeneDx
Classification: Likely pathogenic. Last evaluated: 2026-10-22. Review status: criteria provided, single submitter. Criteria: GeneDx Variant Classification Process June 2021. Collection method: clinical testing. Allele origin: germline.
Comment: Not observed at significant frequency in large population cohorts (gnomAD); Frameshift variant predicted to result in protein truncation or nonsense mediated decay in a gene or region of a gene for which loss of function is not a well-established mechanism of disease; This variant is associated with the following publications: (PMID: 42387534)

Institute of Human Genetics, University of Leipzig Medical Center
Classification: Pathogenic for NPTN-related neurodevelopmental disorder. Last evaluated: 2025-04-09. Review status: criteria provided, single submitter. Criteria: ACMG Guidelines, 2015. Collection method: research. Allele origin: de novo. Inheritance: Autosomal dominant inheritance. Affected: yes.
Comment: Criteria applied: PVS1, PS2_MOD, PM2_SUP